The following is an entry in ClinVar:

ClinVar aggregate classification (germline): Uncertain significance (1 of 4 stars; one submission).

Conditions:
Pitt-Hopkins-like syndrome 2 (PTHSL2). Identifiers: Orphanet 221150, Orphanet 600663, MedGen C3280479, MONDO:0013690, OMIM 614325.

gnomAD v4.1: 1 of 1,613,968 alleles (0.000062%); highest among the groups gnomAD compares: Non-Finnish European, 0.000085%; no homozygotes.

Submission:

Labcorp Genetics (formerly Invitae), Labcorp
Classification: Uncertain significance for Pitt-Hopkins-like syndrome 2. Last evaluated: 2024-11-03. Review status: criteria provided, single submitter. Criteria: Invitae Variant Classification Sherloc (09022015). Collection method: clinical testing. Allele origin: germline.
Comment: This sequence change replaces isoleucine, which is neutral and non-polar, with valine, which is neutral and non-polar, at codon 531 of the NRXN1 protein (p.Ile531Val). This variant is not present in population databases (gnomAD no frequency). This variant has not been reported in the literature in individuals affected with NRXN1-related conditions. ClinVar contains an entry for this variant (Variation ID: 1420047). An algorithm developed to predict the effect of missense changes on protein structure and function outputs the following: PolyPhen-2: "Benign". The valine amino acid residue is found in multiple mammalian species, which suggests that this missense change does not adversely affect protein function. In summary, the available evidence is currently insufficient to determine the role of this variant in disease. Therefore, it has been classified as a Variant of Uncertain Significance.

NM_001330078.2(NRXN1):c.1471A>G (p.Ile491Val)

Gene: NRXN1 (neurexin 1; minus strand). Cytogenetic location: 2p16.3.
Variant type: single nucleotide variant.
Coding change: c.1471A>G on transcript NM_001330078.2 (MANE Select); coding-DNA position 1471, A replaced by G.
Protein change: p.Ile491Val; replaces isoleucine 491 with valine.
Molecular consequence: missense variant.
Genome position (GRCh38, 1-based): chr2:50,552,875, T>C on the plus strand (A>G on the coding strand, the complement: NRXN1 is on the minus strand). VCF-style: chr2-50552875-T-C. GRCh37 (hg19) VCF-style: chr2-50780013-T-C.
Other names: c.1591A>G, p.Ile531Val (NM_001135659.3); c.1447A>G, p.Ile483Val (NM_001330077.2, NM_001330095.2, NM_001330082.2); c.1387A>G, p.Ile463Val (NM_001330096.2, NM_001330087.2); c.1471A>G, p.Ile491Val (NM_004801.6, NM_001330085.2, NM_001330086.2); c.1432A>G, p.Ile478Val (NM_001330083.2, NM_001330084.2); c.1417A>G, p.Ile473Val (NM_001330088.2); c.1468A>G, p.Ile490Val (NM_001330093.2); c.1459A>G, p.Ile487Val (NM_001330094.2); short protein forms I487V, I491V, I463V, I478V, I473V, I483V, I531V, I490V.
Identifiers: ClinVar variation 1420047 (VCV001420047.6), dbSNP rs200727557, ClinGen allele CA346773948.